The following is an entry in ClinVar:

ClinVar aggregate classification (germline): not provided (0 of 4 stars; one submission).

Allele frequency attached by ClinVar (database versions not stated): gnomAD 0.00001.
gnomAD v4.1: 1 of 1,614,178 alleles (0.000062%); highest among the groups gnomAD compares: Non-Finnish European, 0.000085%; no homozygotes.

Submission:

Human Evolutionary Genetics, Institut Pasteur
No classification provided. Review status: no classification provided. Collection method: not provided. Allele origin: germline.
ClinVar note: Converted during submission from untested to not provided.

NM_001394894.2(NLRP11):c.150A>G (p.Glu50=)

Gene: NLRP11 (NLR family pyrin domain containing 11; minus strand). Cytogenetic location: 19q13.43.
Variant type: single nucleotide variant.
Coding change: c.150A>G on transcript NM_001394894.2 (MANE Select); coding-DNA position 150, A replaced by G.
Protein change: p.Glu50=; no amino-acid change (glutamic acid 50 retained).
Molecular consequence: synonymous variant. On other transcripts: non-coding transcript variant (2), intron variant (1).
Genome position (GRCh38, 1-based): chr19:55,818,025, T>C on the plus strand (A>G on the coding strand, the complement: NLRP11 is on the minus strand). VCF-style: chr19-55818025-T-C. GRCh37 (hg19) VCF-style: chr19-56329391-T-C.
Other names: c.150A>G, p.Glu50= (NM_001385451.2, NM_001385453.2, NM_145007.5); c.-26-7687A>G (NM_001297743.3).
Identifiers: ClinVar variation 103268 (VCV000103268.3), dbSNP rs199475860, ClinGen allele CA230343.